The following is an entry in ClinVar:

ClinVar aggregate classification (germline): Conflicting classifications of pathogenicity. Review status: criteria provided, conflicting classifications (1 of 4 stars). 3 submissions from 3 submitters: Uncertain significance (2); Likely benign (1). Last evaluated 2026-02-01.

Conditions:
Multiple acyl-CoA dehydrogenase deficiency (MADD). Also called: GA II; ETHYLMALONIC-ADIPICACIDURIA; Glutaric Acidemia type 2; Glutaric aciduria, type 2; Glutaric acidemia type II; GA 2. Identifiers: Orphanet 26791, MedGen C0268596, MONDO:0009282, OMIM 231680.

Allele frequency attached by ClinVar (database versions not stated): gnomAD exomes 0.00009 and 0.00022; ESP Exome Variant Server 0.00015; TOPMed 0.00015; gnomAD 0.00016 and 0.00017; ExAC 0.00036; 1000 Genomes Project 0.00060; 1000 Genomes Project 30x 0.00062.
gnomAD v4.1: 161 of 1,560,538 alleles (0.01%); highest among the groups gnomAD compares: East Asian, 0.034%; no homozygotes.

Submissions (3):

Labcorp Genetics (formerly Invitae), Labcorp
Classification: Likely benign for Multiple acyl-CoA dehydrogenase deficiency. Last evaluated: 2026-02-01. Review status: criteria provided, single submitter. Criteria: Invitae Variant Classification Sherloc (09022015). Collection method: clinical testing. Allele origin: germline.

Revvity Omics, Revvity
Classification: Uncertain significance for Multiple acyl-CoA dehydrogenase deficiency. Last evaluated: 2024-01-08. Review status: criteria provided, single submitter. Criteria: ACMG Guidelines, 2015. Collection method: clinical testing. Allele origin: germline.

GeneDx
Classification: Uncertain significance. Last evaluated: 2020-10-29. Review status: criteria provided, single submitter. Criteria: GeneDx Variant Classification Process June 2021. Collection method: clinical testing. Allele origin: germline. Affected: yes.
Comment: In silico analysis, which includes protein predictors and evolutionary conservation, supports a deleterious effect.

NM_001985.3(ETFB):c.577G>A (p.Ala193Thr)

Gene: ETFB (electron transfer flavoprotein subunit beta; minus strand). Cytogenetic location: 19q13.41.
Variant type: single nucleotide variant.
Coding change: c.577G>A on transcript NM_001985.3 (MANE Select); coding-DNA position 577, G replaced by A.
Protein change: p.Ala193Thr; replaces alanine 193 with threonine.
Molecular consequence: missense variant.
Genome position (GRCh38, 1-based): chr19:51,346,920, C>T on the plus strand (G>A on the coding strand, the complement: ETFB is on the minus strand). VCF-style: chr19-51346920-C-T. GRCh37 (hg19) VCF-style: chr19-51850174-C-T.
Other names: c.850G>A, p.Ala284Thr (NM_001014763.1); short protein forms A193T, A284T.
Identifiers: ClinVar variation 459959 (VCV000459959.16), dbSNP rs200186078, ClinGen allele CA9610716.